The following is an entry in ClinVar:

NM_001130987.2(DYSF):c.606G>A (p.Ala202=)

Gene: DYSF (dysferlin; plus strand). Cytogenetic location: 2p13.2.
Variant type: single nucleotide variant.
Coding change: c.606G>A on transcript NM_001130987.2 (MANE Select); coding-DNA position 606, G replaced by A.
Protein change: p.Ala202=; no amino-acid change (alanine 202 retained).
Molecular consequence: synonymous variant.
Genome position (GRCh38, 1-based): chr2:71,513,768, G>A. VCF-style: chr2-71513768-G-A. GRCh37 (hg19) VCF-style: chr2-71740898-G-A.
Other names: c.513G>A, p.Ala171= (NM_001130455.2, NM_001130983.2, NM_001130984.2 and 1 more transcripts); c.510G>A, p.Ala170= (NM_001130976.2, NM_001130977.2, NM_001130978.2 and 1 more transcripts); c.603G>A, p.Ala201= (NM_001130979.2, NM_001130980.2, NM_001130981.2); c.606G>A, p.Ala202= (NM_001130982.2, NM_001130985.2).
Identifiers: ClinVar variation 94335 (VCV000094335.18), dbSNP rs398123791, ClinGen allele CA222182.

ClinVar aggregate classification (germline): Conflicting classifications of pathogenicity. Review status: criteria provided, conflicting classifications (1 of 4 stars). 4 submissions from 4 submitters: Uncertain significance (1); Likely benign (1). 2 of the submissions do not count toward it. Last evaluated 2025-11-24.

Conditions:
DYSF-related disorder. Also called: DYSF-related disorders; DYSF-related condition.
Neuromuscular disease caused by qualitative or quantitative defects of dysferlin. Also called: Qualitative or quantitative defects of dysferlin; Dysferlinopathy. Identifiers: Orphanet 207073, MedGen C2931687, MONDO:0016145.
Autosomal recessive limb-girdle muscular dystrophy type 2B (LGMDR2). Also called: MUSCULAR DYSTROPHY, LIMB-GIRDLE, TYPE 3; Limb-Girdle Muscular Dystrophy Type 2B (LGMD2B); MUSCULAR DYSTROPHY, LIMB-GIRDLE, AUTOSOMAL RECESSIVE 2; Limb-girdle muscular dystrophy, type 2B. Identifiers: Orphanet 268, MedGen C1850889, MONDO:0009676, OMIM 253601.

Allele frequency attached by ClinVar (database versions not stated): gnomAD exomes 0.00007 and 0.00016; gnomAD 0.00001 and 0.00006; 1000 Genomes Project 30x 0.00062; TOPMed 0.00001; ExAC 0.00017; 1000 Genomes Project 0.00080.
gnomAD v4.1: 119 of 1,614,152 alleles (0.0074%); highest among the groups gnomAD compares: South Asian, 0.1%; no homozygotes.

Submissions (4):

Labcorp Genetics (formerly Invitae), Labcorp
Classification: Likely benign for Neuromuscular disease caused by qualitative or quantitative defects of dysferlin. Last evaluated: 2025-11-24. Review status: criteria provided, single submitter. Criteria: Invitae Variant Classification Sherloc (09022015). Collection method: clinical testing. Allele origin: germline.

Eurofins Ntd Llc (ga)
Classification: Uncertain significance. Last evaluated: 2016-05-12. Review status: criteria provided, single submitter. Criteria: EGL Classification Definitions 2015. Collection method: clinical testing. Allele origin: germline. Observed: 2 variant alleles, 2 heterozygotes.

PreventionGenetics, part of Exact Sciences
Classification: Likely benign for DYSF-related condition. Last evaluated: 2020-12-15. Review status: no assertion criteria provided. Collection method: clinical testing. Allele origin: germline. Not counted in ClinVar's aggregate classification.
Comment: This variant is classified as likely benign based on ACMG/AMP sequence variant interpretation guidelines (Richards et al. 2015 PMID: 25741868, with internal and published modifications).

Natera, Inc.
Classification: Likely benign for Limb-girdle muscular dystrophy type 2B. Last evaluated: 2020-07-02. Review status: no assertion criteria provided. Collection method: clinical testing. Allele origin: germline. Not counted in ClinVar's aggregate classification.